The following is an entry in ClinVar:

ClinVar aggregate classification (germline): Pathogenic. Review status: criteria provided, multiple submitters, no conflicts (2 of 4 stars). 2 submissions from 2 submitters: Pathogenic (2). Last evaluated 2023-05-11.

Conditions:
Familial adenomatous polyposis 1 (FAP1). Also called: POLYPOSIS, ADENOMATOUS INTESTINAL; FAMILIAL ADENOMATOUS POLYPOSIS 1, ATTENUATED. Identifiers: MedGen C2713442, MONDO:0021056, OMIM 175100. Disease mechanism: loss of function.

Submissions (2):

Myriad Genetics, Inc.
Classification: Pathogenic for Familial adenomatous polyposis 1. Last evaluated: 2023-05-11. Review status: criteria provided, single submitter. Criteria: Myriad Autosomal Dominant, Autosomal Recessive and X-Linked Classification Criteria (2023). Collection method: clinical testing. Allele origin: unknown.
Comment: This variant is considered pathogenic. This variant creates a termination codon and is predicted to result in premature protein truncation.

Labcorp Genetics (formerly Invitae), Labcorp
Classification: Pathogenic for Familial adenomatous polyposis 1. Last evaluated: 2021-05-05. Review status: criteria provided, single submitter. Criteria: Invitae Variant Classification Sherloc (09022015). Collection method: clinical testing. Allele origin: germline.
Comment: This variant is not present in population databases (ExAC no frequency). This variant has been observed in individual(s) with colorectal cancer (PMID: 29406563). A different truncation (p.Tyr2645Lysfs*14) that lies downstream of this variant has been determined to be pathogenic (PMID: 9824584, 1316610, 27081525, 8381579, 22135120, Invitae). This suggests that deletion of this region of the APC protein is causative of disease. For these reasons, this variant has been classified as Pathogenic. This sequence change creates a premature translational stop signal (p.Leu1564*) in the APC gene. While this is not anticipated to result in nonsense mediated decay, it is expected to disrupt the last 1280 amino acid(s) of the APC protein. This variant is expected to disrupt the EB1 and HDLG binding sites, which mediate interactions with the cytoskeleton (PMID: 15311282, 17293347). While functional studies have not been performed to directly test the effect on APC protein function, this suggests that disruption of the C-terminal portion of the protein is functionally important.

Literature cited by the submitters: PubMed 29406563 (cited by Labcorp Genetics (formerly Invitae), Labcorp); PubMed 9824584 (cited by Labcorp Genetics (formerly Invitae), Labcorp); PubMed 1316610 (cited by Labcorp Genetics (formerly Invitae), Labcorp); PubMed 27081525 (cited by Labcorp Genetics (formerly Invitae), Labcorp); PubMed 8381579 (cited by Labcorp Genetics (formerly Invitae), Labcorp); PubMed 22135120 (cited by Labcorp Genetics (formerly Invitae), Labcorp); PubMed 15311282 (cited by Labcorp Genetics (formerly Invitae), Labcorp); PubMed 17293347 (cited by Labcorp Genetics (formerly Invitae), Labcorp).

NM_000038.6(APC):c.4691T>G (p.Leu1564Ter)

Gene: APC (APC regulator of Wnt signaling pathway; plus strand). Cytogenetic location: 5q22.2.
Variant type: single nucleotide variant.
Coding change: c.4691T>G on transcript NM_000038.6 (MANE Select); coding-DNA position 4691, T replaced by G.
Protein change: p.Leu1564Ter; replaces leucine 1564 with a stop codon.
Molecular consequence: nonsense.
Genome position (GRCh38, 1-based): chr5:112,840,285, T>G. VCF-style: chr5-112840285-T-G. GRCh37 (hg19) VCF-style: chr5-112175982-T-G.
Other names: c.4691T>G, p.Leu1564Ter (NM_001127510.3, NM_001354895.2); c.4637T>G, p.Leu1546Ter (NM_001127511.3); c.4745T>G, p.Leu1582Ter (NM_001354896.2); c.4721T>G, p.Leu1574Ter (NM_001354897.2); c.4616T>G, p.Leu1539Ter (NM_001354898.2); c.4607T>G, p.Leu1536Ter (NM_001354899.2); c.4568T>G, p.Leu1523Ter (NM_001354900.2); c.4514T>G, p.Leu1505Ter (NM_001354901.2); and 5 more; short protein forms L1404*, L1505*, L1523*, L1582*, L1463*, L1536*, L1539*, L1281*.
Identifiers: ClinVar variation 1405926 (VCV001405926.9), dbSNP rs2149921292, ClinGen allele CA16031616.
Genomic context (GRCh38, chr5:112,840,285, plus strand): 5'-AATCAAATGAAAACCAAGAGAAAGAGGCAGAAAAAACTATTGATTCTGAAAAGGACCTAT[T>G]AGATGATTCAGATGATGATGATATTGAAATACTAGAAGAATGTATTATTTCTGCCATGCC-3'